The following is an entry in ClinVar:

NM_000059.4(BRCA2):c.3898del (p.Glu1299_Met1300insTer)

Gene: BRCA2 (BRCA2 DNA repair associated; plus strand). Cytogenetic location: 13q13.1.
Variant type: Deletion.
Coding change: c.3898del on transcript NM_000059.4 (MANE Select); coding-DNA position 3898, one base deleted (A; older notation c.3898delA).
Protein change: p.Glu1299_Met1300insTer.
Molecular consequence: nonsense. On other transcripts: non-coding transcript variant (1), intron variant (2).
Genome position (GRCh38, 1-based): chr13:32,338,253, A deleted; the last of 3 consecutive A bases (chr13:32,338,251-32,338,253); deleting any one gives the same sequence. VCF-style (leftmost placement, unchanged base first): chr13-32338250-GA-G. GRCh37 (hg19) VCF-style: chr13-32912387-GA-G.
Other names: c.3898del, p.Glu1299_Met1300insTer (NM_001406719.1, NM_001406720.1, NM_001432077.1); c.1909+4866del (NM_001406721.1); c.425-6305del (NM_001406722.1).
Identifiers: ClinVar variation 4729706 (VCV004729706.1).

ClinVar aggregate classification (germline): Pathogenic (1 of 4 stars; one submission).

Conditions:
Hereditary breast ovarian cancer syndrome. Also called: Hereditary breast and/or ovarian cancer syndrome; Hereditary breast and ovarian cancer syndrome; Breast and ovarian cancer; Hereditary breast and ovarian cancer syndrome (HBOC); BRCA1- and BRCA2-Associated Hereditary Breast and Ovarian Cancer; Hereditary breast and ovarian cancer. Identifiers: Orphanet 145, MedGen C0677776, MeSH D061325, MONDO:0003582. Disease mechanism: loss of function.

Submission:

Labcorp Genetics (formerly Invitae), Labcorp
Classification: Pathogenic for Hereditary breast ovarian cancer syndrome. Last evaluated: 2025-10-23. Review status: criteria provided, single submitter. Criteria: Invitae Variant Classification Sherloc (09022015). Collection method: clinical testing. Allele origin: germline.
Comment: This sequence change creates a premature translational stop signal (p.Met1300*) in the BRCA2 gene. It is expected to result in an absent or disrupted protein product. Loss-of-function variants in BRCA2 are known to be pathogenic (PMID: 20104584). This variant is not present in population databases (gnomAD no frequency). This variant has not been reported in the literature in individuals affected with BRCA2-related conditions. For these reasons, this variant has been classified as Pathogenic.

Literature cited by the submitters: PubMed 20104584.